The following is an entry in ClinVar:

ClinVar aggregate classification (germline): Uncertain significance. Review status: criteria provided, multiple submitters, no conflicts (2 of 4 stars). 4 submissions from 3 submitters: Uncertain significance (4). Last evaluated 2024-02-26.

Conditions:
Mucolipidosis type II. Also called: ML II ALPHA/BETA; Mucolipidosis 2; ML 2; Inclusion cell disease; Leroy Disease; N-acetylglucosamine 1phosphotransferase deficiency. Identifiers: Orphanet 576, MedGen C2673377, MONDO:0009650, OMIM 252500.
Pseudo-Hurler polydystrophy. Also called: ML III; ML III ALPHA/BETA; MUCOLIPIDOSIS IIIA; ML IIIA; Mucolipidosis III Alpha/Beta; Type III Mucolipidosis. Identifiers: Orphanet 423461, Orphanet 577, MedGen C0033788, MONDO:0018931, OMIM 252600.

Allele frequency attached by ClinVar (database versions not stated): gnomAD exomes 0.00002 and 0.00008; gnomAD 0.00004 and 0.00005; TOPMed 0.00004; ESP Exome Variant Server 0.00008; ExAC 0.00011; 1000 Genomes Project 30x 0.00016; 1000 Genomes Project 0.00020.

Submissions (6):

Blueprint Genetics
Classification: Uncertain significance. Last evaluated: 2024-02-26. Review status: criteria provided, single submitter. Criteria: ACMG Guidelines, 2015. Collection method: clinical testing. Allele origin: germline.

Labcorp Genetics (formerly Invitae), Labcorp
Classification: Uncertain significance for Pseudo-Hurler polydystrophy; Mucolipidosis type II. Last evaluated: 2021-09-16. Review status: criteria provided, single submitter. Criteria: Invitae Variant Classification Sherloc (09022015). Collection method: clinical testing. Allele origin: germline.
Comment: This sequence change replaces arginine with glutamine at codon 68 of the GNPTAB protein (p.Arg68Gln). The arginine residue is highly conserved and there is a small physicochemical difference between arginine and glutamine. This variant is present in population databases (rs145725972, ExAC 0.03%). This variant has not been reported in the literature in individuals affected with GNPTAB-related conditions. ClinVar contains an entry for this variant (Variation ID: 306820). Algorithms developed to predict the effect of missense changes on protein structure and function are either unavailable or do not agree on the potential impact of this missense change (SIFT: "Deleterious"; PolyPhen-2: "Probably Damaging"; Align-GVGD: "Class C0"). Algorithms developed to predict the effect of sequence changes on RNA splicing suggest that this variant may disrupt the consensus splice site. In summary, the available evidence is currently insufficient to determine the role of this variant in disease. Therefore, it has been classified as a Variant of Uncertain Significance.

Illumina Laboratory Services, Illumina
Classification: Uncertain significance for Pseudo-Hurler polydystrophy. Last evaluated: 2018-01-13. Review status: criteria provided, single submitter. Criteria: ICSL Variant Classification Criteria 13 December 2019. Collection method: clinical testing. Allele origin: germline.

Illumina Laboratory Services, Illumina
Classification: Uncertain significance for Mucolipidosis type II. Last evaluated: 2018-01-13. Review status: criteria provided, single submitter. Criteria: ICSL Variant Classification Criteria 13 December 2019. Collection method: clinical testing. Allele origin: germline.

Dr. Peter K. Rogan Lab, Western University
No classification provided (evidence only). Condition: Uveal melanoma. Review status: no classification provided. Collection method: in vitro. Allele origin: not applicable. Functional consequence: retained intron. Not counted in ClinVar's aggregate classification.

Dr. Peter K. Rogan Lab, Western University
No classification provided (evidence only). Condition: Malignant tumor of esophagus. Review status: no classification provided. Collection method: in vitro. Allele origin: not applicable. Functional consequence: retained intron. Not counted in ClinVar's aggregate classification.

NM_024312.5(GNPTAB):c.203G>A (p.Arg68Gln)

Gene: GNPTAB (N-acetylglucosamine-1-phosphate transferase subunits alpha and beta; minus strand). Cytogenetic location: 12q23.2.
Variant type: single nucleotide variant.
Coding change: c.203G>A on transcript NM_024312.5 (MANE Select); coding-DNA position 203, G replaced by A.
Protein change: p.Arg68Gln; replaces arginine 68 with glutamine.
Molecular consequence: missense variant.
Genome position (GRCh38, 1-based): chr12:101,796,677, C>T on the plus strand (G>A on the coding strand, the complement: GNPTAB is on the minus strand). VCF-style: chr12-101796677-C-T. GRCh37 (hg19) VCF-style: chr12-102190455-C-T.
Other names: short protein forms R68Q.
Identifiers: ClinVar variation 306820 (VCV000306820.8), dbSNP rs145725972, ClinGen allele CA6746981.